The following is an entry in ClinVar:

ClinVar aggregate classification (germline): Likely benign (1 of 4 stars; one submission).

Allele frequency attached by ClinVar (database versions not stated): gnomAD exomes 0.00131; gnomAD 0.01373; TOPMed 0.01495; 1000 Genomes Project 0.01617; 1000 Genomes Project 30x 0.01843.

Submission:

GeneDx
Classification: Likely benign. Last evaluated: 2021-05-26. Review status: criteria provided, single submitter. Criteria: GeneDx Variant Classification Process June 2021. Collection method: clinical testing. Allele origin: germline. Affected: yes.
Comment: See Variant Classification Assertion Criteria.

NM_001015880.2(PAPSS2):c.881-70A>G

Gene: PAPSS2 (3'-phosphoadenosine 5'-phosphosulfate synthase 2; plus strand). Cytogenetic location: 10q23.31.
Variant type: single nucleotide variant.
Coding change: c.881-70A>G on transcript NM_001015880.2 (MANE Select); 70 bases into the intron before coding-DNA position 881, A replaced by G.
Molecular consequence: intron variant.
Genome position (GRCh38, 1-based): chr10:87,727,214, A>G. VCF-style: chr10-87727214-A-G. GRCh37 (hg19) VCF-style: chr10-89486971-A-G.
Other names: c.866-70A>G (NM_004670.4).
Identifiers: ClinVar variation 1706706 (VCV001706706.2), dbSNP rs17127057, ClinGen allele CA211271485.